The following is an entry in ClinVar:

NM_017636.4(TRPM4):c.2821C>A (p.Leu941Met)

Gene: TRPM4 (transient receptor potential cation channel subfamily M member 4; plus strand). Cytogenetic location: 19q13.33.
Variant type: single nucleotide variant.
Coding change: c.2821C>A on transcript NM_017636.4 (MANE Select); coding-DNA position 2821, C replaced by A.
Protein change: p.Leu941Met; replaces leucine 941 with methionine.
Molecular consequence: missense variant.
Genome position (GRCh38, 1-based): chr19:49,200,653, C>A. VCF-style: chr19-49200653-C-A. GRCh37 (hg19) VCF-style: chr19-49703910-C-A.
Other names: c.2386C>A, p.Leu796Met (NM_001195227.2); c.2476C>A, p.Leu826Met (NM_001321281.2); c.1213C>A, p.Leu405Met (NM_001321282.2); c.2299C>A, p.Leu767Met (NM_001321283.2); c.1759C>A, p.Leu587Met (NM_001321285.2); short protein forms L767M, L826M, L587M, L941M, L405M, L796M.
Identifiers: ClinVar variation 3974252 (VCV003974252.2).

ClinVar aggregate classification (germline): Uncertain significance. Review status: criteria provided, multiple submitters, no conflicts (2 of 4 stars). 2 submissions from 2 submitters: Uncertain significance (2). Last evaluated 2025-12-09.

Conditions:
Progressive familial heart block type IB (PFHB1B). Identifiers: Orphanet 871, MedGen C1970298, MONDO:0011474, OMIM 604559.
Cardiovascular phenotype. Identifiers: MedGen CN230736.

gnomAD v4.1: 24 of 1,613,844 alleles (0.0015%); highest among the groups gnomAD compares: Non-Finnish European, 0.0019%; no homozygotes.

Submissions (2):

Labcorp Genetics (formerly Invitae), Labcorp
Classification: Uncertain significance for Progressive familial heart block type IB. Last evaluated: 2025-12-09. Review status: criteria provided, single submitter. Criteria: Invitae Variant Classification Sherloc (09022015). Collection method: clinical testing. Allele origin: germline.
Comment: This sequence change replaces leucine, which is neutral and non-polar, with methionine, which is neutral and non-polar, at codon 941 of the TRPM4 protein (p.Leu941Met). This variant is present in population databases (rs768785188, gnomAD 0.004%). This variant has not been reported in the literature in individuals affected with TRPM4-related conditions. ClinVar contains an entry for this variant (Variation ID: 3974252). An algorithm developed to predict the effect of missense changes on protein structure and function (PolyPhen-2) suggests that this variant is likely to be disruptive. In summary, the available evidence is currently insufficient to determine the role of this variant in disease. Therefore, it has been classified as a Variant of Uncertain Significance.

Ambry Genetics
Classification: Uncertain significance for Cardiovascular phenotype. Last evaluated: 2025-03-29. Review status: criteria provided, single submitter. Criteria: Ambry Variant Classification Scheme 2023. Collection method: clinical testing. Allele origin: germline.
Comment: The p.L941M variant (also known as c.2821C>A), located in coding exon 19 of the TRPM4 gene, results from a C to A substitution at nucleotide position 2821. The leucine at codon 941 is replaced by methionine, an amino acid with highly similar properties. This amino acid position is well conserved in available vertebrate species. In addition, the in silico prediction for this alteration is inconclusive. Based on the available evidence, the clinical significance of this variant remains unclear.